The following is an entry in ClinVar:

ClinVar aggregate classification (germline): Conflicting classifications of pathogenicity. Review status: criteria provided, conflicting classifications (1 of 4 stars). 2 submissions from 2 submitters: Uncertain significance (1); Likely benign (1). Last evaluated 2024-11-13.

Conditions:
Galactosylceramide beta-galactosidase deficiency. Also called: Leukodystrophy, Globoid Cell; Krabbe Disease; GALC DEFICIENCY; GLOBOID CELL LEUKOENCEPHALOPATHY; GALACTOCEREBROSIDASE DEFICIENCY. Identifiers: Orphanet 487, MedGen C0023521, MONDO:0009499, OMIM 245200.

Submissions (2):

Mayo Clinic Laboratories, Mayo Clinic
Classification: Likely benign. Last evaluated: 2024-11-13. Review status: criteria provided, single submitter. Criteria: ACMG Guidelines, 2015. Collection method: clinical testing. Allele origin: germline. Observed: 2 variant alleles.
Comment: BP4, BP7

Labcorp Genetics (formerly Invitae), Labcorp
Classification: Uncertain significance for Galactosylceramide beta-galactosidase deficiency. Last evaluated: 2022-10-08. Review status: criteria provided, single submitter. Criteria: Invitae Variant Classification Sherloc (09022015). Collection method: clinical testing. Allele origin: germline.
Comment: This sequence change falls in intron 16 of the GALC gene. It does not directly change the encoded amino acid sequence of the GALC protein. It affects a nucleotide within the consensus splice site. This variant is not present in population databases (gnomAD no frequency). This variant has not been reported in the literature in individuals affected with GALC-related conditions. Variants that disrupt the consensus splice site are a relatively common cause of aberrant splicing (PMID: 17576681, 9536098). Algorithms developed to predict the effect of sequence changes on RNA splicing suggest that this variant is not likely to affect RNA splicing. In summary, the available evidence is currently insufficient to determine the role of this variant in disease. Therefore, it has been classified as a Variant of Uncertain Significance.

Literature cited by the submitters: PubMed 17576681 (cited by Labcorp Genetics (formerly Invitae), Labcorp); PubMed 9536098 (cited by Labcorp Genetics (formerly Invitae), Labcorp).

NM_000153.4(GALC):c.1911+4A>G

Gene: GALC (galactosylceramidase; minus strand). Cytogenetic location: 14q31.3.
Variant type: single nucleotide variant.
Coding change: c.1911+4A>G on transcript NM_000153.4 (MANE Select); 4 bases into the intron after coding-DNA position 1911, A replaced by G.
Molecular consequence: intron variant.
Genome position (GRCh38, 1-based): chr14:87,939,901, T>C on the plus strand (A>G on the coding strand, the complement: GALC is on the minus strand). VCF-style: chr14-87939901-T-C. GRCh37 (hg19) VCF-style: chr14-88406245-T-C.
Other names: p.?; c.1833+4A>G (NM_001201402.2); c.1842+4A>G (NM_001201401.2).
Identifiers: ClinVar variation 1948238 (VCV001948238.3), dbSNP rs1884762471, ClinGen allele CA2153352682.